The following is an entry in ClinVar:

ClinVar aggregate classification (germline): Uncertain significance. Review status: criteria provided, multiple submitters, no conflicts (2 of 4 stars). 2 submissions from 2 submitters: Uncertain significance (2). Last evaluated 2023-11-17.

Conditions:
Primary ciliary dyskinesia. Also called: Ciliary dyskinesia. Identifiers: Orphanet 244, MedGen C0008780, MONDO:0016575, HP:0012265.

Allele frequency attached by ClinVar (database versions not stated): gnomAD 0.00001; ExAC 0.00002; TOPMed 0.00002; gnomAD exomes 0.00003 and 0.00005.
gnomAD v4.1: 71 of 1,610,714 alleles (0.0044%); highest among the groups gnomAD compares: Non-Finnish European, 0.0054%; no homozygotes.

Submissions (2):

Labcorp Genetics (formerly Invitae), Labcorp
Classification: Uncertain significance for Primary ciliary dyskinesia. Last evaluated: 2023-11-17. Review status: criteria provided, single submitter. Criteria: Invitae Variant Classification Sherloc (09022015). Collection method: clinical testing. Allele origin: germline.
Comment: This sequence change replaces methionine, which is neutral and non-polar, with isoleucine, which is neutral and non-polar, at codon 2198 of the DNAH8 protein (p.Met2198Ile). This variant is present in population databases (rs765618018, gnomAD 0.006%). This variant has not been reported in the literature in individuals affected with DNAH8-related conditions. ClinVar contains an entry for this variant (Variation ID: 407306). Advanced modeling of protein sequence and biophysical properties (such as structural, functional, and spatial information, amino acid conservation, physicochemical variation, residue mobility, and thermodynamic stability) has been performed at Invitae for this missense variant, however the output from this modeling did not meet the statistical confidence thresholds required to predict the impact of this variant on DNAH8 protein function. In summary, the available evidence is currently insufficient to determine the role of this variant in disease. Therefore, it has been classified as a Variant of Uncertain Significance.

Ambry Genetics
Classification: Uncertain significance. Last evaluated: 2023-05-16. Review status: criteria provided, single submitter. Criteria: Ambry Variant Classification Scheme 2023. Collection method: clinical testing. Allele origin: germline.

NM_001206927.2(DNAH8):c.6594G>A (p.Met2198Ile)

Gene: DNAH8 (dynein axonemal heavy chain 8; plus strand). Cytogenetic location: 6p21.2.
Variant type: single nucleotide variant.
Coding change: c.6594G>A on transcript NM_001206927.2 (MANE Select); coding-DNA position 6594, G replaced by A.
Protein change: p.Met2198Ile; replaces methionine 2198 with isoleucine.
Molecular consequence: missense variant.
Genome position (GRCh38, 1-based): chr6:38,866,777, G>A. VCF-style: chr6-38866777-G-A. GRCh37 (hg19) VCF-style: chr6-38834553-G-A.
Other names: c.5943G>A, p.Met1981Ile (NM_001371.4); short protein forms M2198I, M1981I.
Identifiers: ClinVar variation 407306 (VCV000407306.12), dbSNP rs765618018, ClinGen allele CA3789717.
Genomic context (GRCh38, chr6:38,866,777, plus strand): 5'-CTTTACTTGTTTTTCACTAAAGTTGAAAAAAACTCACTATATTAATTTTCAGATCATTAT[G>A]AGAGTTAAACTTGCAAGCTGTGGTTTTCTTGAAAATGTTATCTTGGCTCAAAAATTTTAC-3'
Protein context (NP_001193856.1, residues 2188-2208): AMMVPDRQII[Met2198Ile]RVKLASCGFL